The following is an entry in ClinVar:

NM_000553.6(WRN):c.377T>A (p.Met126Lys)

Gene: WRN (WRN RecQ like helicase; plus strand). Cytogenetic location: 8p12.
Variant type: single nucleotide variant.
Coding change: c.377T>A on transcript NM_000553.6 (MANE Select); coding-DNA position 377, T replaced by A.
Protein change: p.Met126Lys; replaces methionine 126 with lysine.
Molecular consequence: missense variant.
Genome position (GRCh38, 1-based): chr8:31,064,936, T>A. VCF-style: chr8-31064936-T-A. GRCh37 (hg19) VCF-style: chr8-30922452-T-A.
Other names: short protein forms M126K.
Identifiers: ClinVar variation 1039094 (VCV001039094.1), dbSNP rs1465554767, ClinGen allele CA370914613.

ClinVar aggregate classification (germline): Uncertain significance (1 of 4 stars; one submission).

Conditions:
Werner syndrome (WRN). Identifiers: Orphanet 902, MedGen C0043119, MONDO:0010196, OMIM 277700.

Allele frequency attached by ClinVar (database versions not stated): TOPMed 0.00002.

Submission:

Labcorp Genetics (formerly Invitae), Labcorp
Classification: Uncertain significance for Werner syndrome. Last evaluated: 2020-06-26. Review status: criteria provided, single submitter. Criteria: Invitae Variant Classification Sherloc (09022015). Collection method: clinical testing. Allele origin: germline.
Comment: This sequence change replaces methionine with lysine at codon 126 of the WRN protein (p.Met126Lys). The methionine residue is moderately conserved and there is a moderate physicochemical difference between methionine and lysine. This variant is not present in population databases (ExAC no frequency). This variant has not been reported in the literature in individuals with WRN-related conditions. Algorithms developed to predict the effect of missense changes on protein structure and function are either unavailable or do not agree on the potential impact of this missense change (SIFT: Not Available; PolyPhen-2: Benign; Align-GVGD: Not Available). In summary, the available evidence is currently insufficient to determine the role of this variant in disease. Therefore, it has been classified as a Variant of Uncertain Significance.